The following is an entry in ClinVar:

NM_001393769.1(MED12L):c.5924G>A (p.Gly1975Asp)

Gene: MED12L (mediator complex subunit 12L; plus strand). Cytogenetic location: 3q25.1.
Variant type: single nucleotide variant.
Coding change: c.5924G>A on transcript NM_001393769.1 (MANE Select); coding-DNA position 5924, G replaced by A.
Protein change: p.Gly1975Asp; replaces glycine 1975 with aspartic acid.
Molecular consequence: missense variant.
Genome position (GRCh38, 1-based): chr3:151,411,291, G>A. VCF-style: chr3-151411291-G-A. GRCh37 (hg19) VCF-style: chr3-151129079-G-A.
Other names: c.5819G>A, p.Gly1940Asp (NM_053002.6); short protein forms G1940D, G1975D.
Identifiers: ClinVar variation 3252857 (VCV003252857.1), dbSNP rs1238602999.

ClinVar aggregate classification (germline): Uncertain significance (1 of 4 stars; one submission).

Allele frequency attached by ClinVar (database versions not stated): gnomAD exomes below 0.00001; gnomAD 0.00001; TOPMed 0.00001.
gnomAD v4.1: 2 of 1,614,064 alleles (0.00012%); highest among the groups gnomAD compares: African/African-American, 0.0027%; no homozygotes.

Submission:

GeneDx
Classification: Uncertain significance. Last evaluated: 2023-12-10. Review status: criteria provided, single submitter. Criteria: GeneDx Variant Classification Process June 2021. Collection method: clinical testing. Allele origin: germline. Affected: yes.
Comment: Not observed at significant frequency in large population cohorts (gnomAD); In silico analysis supports that this missense variant has a deleterious effect on protein structure/function; Has not been previously published as pathogenic or benign to our knowledge